The following is an entry in ClinVar:

NM_006218.4(PIK3CA):c.1251+1G>C

Gene: PIK3CA (phosphatidylinositol-4,5-bisphosphate 3-kinase catalytic subunit alpha; plus strand). Cytogenetic location: 3q26.32.
Variant type: single nucleotide variant.
Coding change: c.1251+1G>C on transcript NM_006218.4 (MANE Select); the canonical splice donor site of the intron after coding-DNA position 1251, G replaced by C.
Molecular consequence: splice donor variant.
Genome position (GRCh38, 1-based): chr3:179,209,701, G>C. VCF-style: chr3-179209701-G-C. GRCh37 (hg19) VCF-style: chr3-178927489-G-C.
Identifiers: ClinVar variation 2870745 (VCV002870745.3), dbSNP rs2108399451, ClinGen allele CA355261525.

ClinVar aggregate classification (germline): Uncertain significance (1 of 4 stars; one submission).

Conditions:
Cowden syndrome (CS). Also called: Cowden's disease; Cowden's syndrome; Cowden disease. Identifiers: Orphanet 201, MedGen C0018553, MONDO:0016063. Disease mechanism: gain of function.

Allele frequency attached by ClinVar (database versions not stated): gnomAD exomes below 0.00001.
gnomAD v4.1: 1 of 1,563,674 alleles (0.000064%); highest among the groups gnomAD compares: Non-Finnish European, 0.000088%; no homozygotes.

Submission:

Labcorp Genetics (formerly Invitae), Labcorp
Classification: Uncertain significance for Cowden syndrome. Last evaluated: 2023-10-29. Review status: criteria provided, single submitter. Criteria: Invitae Variant Classification Sherloc (09022015). Collection method: clinical testing. Allele origin: germline.
Comment: This sequence change affects a donor splice site in intron 7 of the PIK3CA gene. It is expected to disrupt RNA splicing. Variants that disrupt the donor or acceptor splice site typically lead to a loss of protein function (PMID: 16199547), however the current clinical and genetic evidence is not sufficient to establish whether loss-of-function variants in PIK3CA cause disease. This variant is not present in population databases (gnomAD no frequency). This variant has not been reported in the literature in individuals affected with PIK3CA-related conditions. Algorithms developed to predict the effect of sequence changes on RNA splicing suggest that this variant may disrupt the consensus splice site. In summary, the available evidence is currently insufficient to determine the role of this variant in disease. Therefore, it has been classified as a Variant of Uncertain Significance.

Literature cited by the submitters: PubMed 16199547.